The following is an entry in ClinVar:

ClinVar aggregate classification (germline): Uncertain significance. Review status: criteria provided, multiple submitters, no conflicts (2 of 4 stars). 2 submissions from 2 submitters: Uncertain significance (2). Last evaluated 2025-02-11.

Conditions:
Inborn genetic diseases. Identifiers: MedGen C0950123, MeSH D030342.
Dyskeratosis congenita, autosomal recessive 6 (DKCB6). Identifiers: MedGen C4225356, MONDO:0014600, OMIM 616353.
Pulmonary fibrosis and/or bone marrow failure, Telomere-related, 4. Also called: PULMONARY FIBROSIS AND/OR BONE MARROW FAILURE SYNDROME, TELOMERE-RELATED, 4. Identifiers: Orphanet 2032, MedGen C4225347, MONDO:0014612, OMIM 616371.

Allele frequency attached by ClinVar (database versions not stated): gnomAD exomes below 0.00001; TOPMed below 0.00001.
gnomAD v4.1: 2 of 1,613,810 alleles (0.00012%); highest among the groups gnomAD compares: East Asian, 0.0022%; no homozygotes.

Submissions (2):

Ambry Genetics
Classification: Uncertain significance for Inborn genetic diseases. Last evaluated: 2025-02-11. Review status: criteria provided, single submitter. Criteria: Ambry Variant Classification Scheme 2023. Collection method: clinical testing. Allele origin: germline.

Labcorp Genetics (formerly Invitae), Labcorp
Classification: Uncertain significance for Dyskeratosis congenita, autosomal recessive 6; Pulmonary fibrosis and/or bone marrow failure, Telomere-related, 4. Last evaluated: 2022-03-19. Review status: criteria provided, single submitter. Criteria: Invitae Variant Classification Sherloc (09022015). Collection method: clinical testing. Allele origin: germline.
Comment: This sequence change replaces methionine, which is neutral and non-polar, with isoleucine, which is neutral and non-polar, at codon 513 of the PARN protein (p.Met513Ile). This variant is present in population databases (no rsID available, gnomAD 0.006%). This variant has not been reported in the literature in individuals affected with PARN-related conditions. Algorithms developed to predict the effect of missense changes on protein structure and function (SIFT, PolyPhen-2, Align-GVGD) all suggest that this variant is likely to be tolerated. In summary, the available evidence is currently insufficient to determine the role of this variant in disease. Therefore, it has been classified as a Variant of Uncertain Significance.

NM_002582.4(PARN):c.1539G>A (p.Met513Ile)

Gene: PARN (poly(A)-specific ribonuclease; minus strand). Cytogenetic location: 16p13.12.
Variant type: single nucleotide variant.
Coding change: c.1539G>A on transcript NM_002582.4 (MANE Select); coding-DNA position 1539, G replaced by A.
Protein change: p.Met513Ile; replaces methionine 513 with isoleucine.
Molecular consequence: missense variant.
Genome position (GRCh38, 1-based): chr16:14,482,769, C>T on the plus strand (G>A on the coding strand, the complement: PARN is on the minus strand). VCF-style: chr16-14482769-C-T. GRCh37 (hg19) VCF-style: chr16-14576626-C-T.
Other names: c.1356G>A, p.Met452Ile (NM_001134477.3); c.1401G>A, p.Met467Ile (NM_001242992.2); c.1539G>A (NM_002582.3); short protein forms M467I, M452I, M513I.
Identifiers: ClinVar variation 1953157 (VCV001953157.6), dbSNP rs1301681511, ClinGen allele CA395183600.